The following is an entry in ClinVar:

NM_014159.7(SETD2):c.570GCCTCCACC[3] (p.Pro194_Pro196dup)

Gene: SETD2 (SET domain containing 2, histone lysine methyltransferase; minus strand). Cytogenetic location: 3p21.31.
Variant type: Microsatellite.
Coding change: c.570GCCTCCACC[3] on transcript NM_014159.7 (MANE Select); three copies in a row of the 9-base unit GCCTCCACC starting at c.570; the reference has two copies in a row; one copy, 9 bases duplicated.
Protein change: p.Pro194_Pro196dup.
Molecular consequence: inframe insertion. On other transcripts: non-coding transcript variant (1).
Genome position (GRCh38, 1-based): chr3:47,124,049-47,124,057, GGTGGAGGC duplicated on the plus strand (GCCTCCACC on the coding strand, the reverse complement: SETD2 is on the minus strand); duplicating any 9 consecutive bases within chr3:47,124,049-47,124,068 gives the same sequence; the position shown is the placement nearest the transcript's 3' end. VCF-style (leftmost placement, unchanged base first): chr3-47124048-A-AGGTGGAGGC. GRCh37 (hg19) VCF-style: chr3-47165538-A-AGGTGGAGGC.
Other names: c.438GCCTCCACC[3], p.Pro150_Pro152dup (NM_001349370.3).
Identifiers: ClinVar variation 857293 (VCV000857293.6), dbSNP rs764288610, ClinGen allele CA916082294.

ClinVar aggregate classification (germline): Uncertain significance (1 of 4 stars; one submission).

Conditions:
Luscan-Lumish syndrome. Identifiers: Orphanet 597738, MedGen C4085873, MONDO:0014791, OMIM 616831.

Submission:

Labcorp Genetics (formerly Invitae), Labcorp
Classification: Uncertain significance for Luscan-Lumish syndrome. Last evaluated: 2019-12-11. Review status: criteria provided, single submitter. Criteria: Invitae Variant Classification Sherloc (09022015). Collection method: clinical testing. Allele origin: germline.
Comment: In summary, the available evidence is currently insufficient to determine the role of this variant in disease. Therefore, it has been classified as a Variant of Uncertain Significance. Experimental studies and prediction algorithms are not available or were not evaluated, and the functional significance of this variant is currently unknown. This variant has not been reported in the literature in individuals with SETD2-related conditions. This variant is not present in population databases (ExAC no frequency). This variant, c.579_587dup, results in the insertion of 3 amino acid(s) to the SETD2 protein (p.Pro194_Pro196dup), but otherwise preserves the integrity of the reading frame.